The following is an entry in ClinVar:

ClinVar aggregate classification (germline): Benign. Review status: criteria provided, multiple submitters, no conflicts (2 of 4 stars). 6 submissions from 6 submitters: Benign (5). 1 of the submissions does not count toward it. Last evaluated 2026-02-04.

Conditions:
Gamma-aminobutyric acid transaminase deficiency (GABATD). Also called: GABA aminotransaminase deficiency; GABA transaminase deficiency; Gamma aminobutyrate transaminase deficiency; 4 alpha aminobutyrate transaminase deficiency. Identifiers: Orphanet 2066, MedGen C0342708, MONDO:0013166, OMIM 613163.

Allele frequency attached by ClinVar (database versions not stated): gnomAD exomes 0.29796; ExAC 0.30650; gnomAD 0.33013 and 0.33159; ESP Exome Variant Server 0.33716; TOPMed 0.33775; 1000 Genomes Project 30x 0.34947; 1000 Genomes Project 0.35004.
gnomAD v4.1: 481,978 of 1,608,896 alleles (30%); highest among the groups gnomAD compares: African/African-American, 43%; 73,976 homozygotes.

Submissions (6):

Labcorp Genetics (formerly Invitae), Labcorp
Classification: Benign for Gamma-aminobutyric acid transaminase deficiency. Last evaluated: 2026-02-04. Review status: criteria provided, single submitter. Criteria: Invitae Variant Classification Sherloc (09022015). Collection method: clinical testing. Allele origin: germline.

Genome-Nilou Lab
Classification: Benign for Gamma-aminobutyric acid transaminase deficiency. Last evaluated: 2021-07-14. Review status: criteria provided, single submitter. Criteria: ACMG Guidelines, 2015. Collection method: clinical testing. Allele origin: germline. Affected: no.

Illumina Laboratory Services, Illumina
Classification: Benign for Gamma-aminobutyric acid transaminase deficiency. Last evaluated: 2018-01-13. Review status: criteria provided, single submitter. Criteria: ICSL Variant Classification Criteria 13 December 2019. Collection method: clinical testing. Allele origin: germline.
Comment: This variant was observed in the ICSL laboratory as part of a predisposition screen in an ostensibly healthy population. It had not been previously curated by ICSL or reported in the Human Gene Mutation Database (HGMD: prior to June 1st, 2018), and was therefore a candidate for classification through an automated scoring system. Utilizing variant allele frequency, disease prevalence and penetrance estimates, and inheritance mode, an automated score was calculated to assess if this variant is too frequent to cause the disease. Based on the score and internal cut-off values, a variant classified as benign is not then subjected to further curation. The score for this variant resulted in a classification of benign for this disease.

Athena Diagnostics
Classification: Benign. Last evaluated: 2017-04-20. Review status: criteria provided, single submitter. Criteria: Athena Diagnostics Criteria. Collection method: clinical testing. Allele origin: germline.

Breakthrough Genomics
Classification: Benign. Review status: criteria provided, single submitter. Criteria: ACMG Guidelines, 2015. Collection method: not provided. Allele origin: germline. Inheritance: Autosomal recessive inheritance. Affected: yes.

Mayo Clinic Laboratories, Mayo Clinic
Classification: Benign. Last evaluated: 2016-02-11. Review status: no assertion criteria provided. Collection method: clinical testing. Allele origin: unknown. Not counted in ClinVar's aggregate classification.

NM_020686.6(ABAT):c.1381+9T>C

Gene: ABAT (4-aminobutyrate aminotransferase; plus strand). Cytogenetic location: 16p13.2.
Variant type: single nucleotide variant.
Coding change: c.1381+9T>C on transcript NM_020686.6 (MANE Select); 9 bases into the intron after coding-DNA position 1381, T replaced by C.
Molecular consequence: intron variant.
Genome position (GRCh38, 1-based): chr16:8,779,599, T>C. VCF-style: chr16-8779599-T-C. GRCh37 (hg19) VCF-style: chr16-8873456-T-C.
Other names: c.1318+9T>C (NM_001386607.1, NM_001386606.1); c.1288+9T>C (NM_001386608.1); c.1246+9T>C (NM_001386610.1, NM_001386611.1); c.1135+9T>C (NM_001386614.1); c.1183+9T>C (NM_001386612.1, NM_001386613.1); c.1381+9T>C (NM_001386603.1, NM_001386600.1, NM_001386604.1 and 5 more transcripts); c.1477+9T>C (NM_001386615.1); c.1270-1710T>C (NM_001386609.1); and 1 more.
Identifiers: ClinVar variation 321090 (VCV000321090.22), dbSNP rs1079348, ClinGen allele CA7893536.